The following is an entry in ClinVar:

ClinVar aggregate classification (germline): Likely benign. Review status: criteria provided, multiple submitters, no conflicts (2 of 4 stars). 2 submissions from 2 submitters: Likely benign (2). Last evaluated 2024-08-29.

Conditions:
Familial hemiplegic migraine. Identifiers: MedGen C0338484, MONDO:0000700.

Allele frequency attached by ClinVar (database versions not stated): gnomAD 0.00001; gnomAD exomes 0.00001; TOPMed 0.00001.
gnomAD v4.1: 5 of 1,614,048 alleles (0.00031%); highest among the groups gnomAD compares: African/African-American, 0.0013%; no homozygotes.

Submissions (2):

Labcorp Genetics (formerly Invitae), Labcorp
Classification: Likely benign for Familial hemiplegic migraine. Last evaluated: 2024-08-29. Review status: criteria provided, single submitter. Criteria: Invitae Variant Classification Sherloc (09022015). Collection method: clinical testing. Allele origin: germline.

GeneDx
Classification: Likely benign. Last evaluated: 2017-05-19. Review status: criteria provided, single submitter. Criteria: GeneDx Variant Classification (06012015). Collection method: clinical testing. Allele origin: germline. Affected: yes.
Comment: This variant is considered likely benign or benign based on one or more of the following criteria: it is a conservative change, it occurs at a poorly conserved position in the protein, it is predicted to be benign by multiple in silico algorithms, and/or has population frequency not consistent with disease.

NM_000702.4(ATP1A2):c.2439+13G>A

Gene: ATP1A2 (ATPase Na+/K+ transporting subunit alpha 2; plus strand). Cytogenetic location: 1q23.2.
Variant type: single nucleotide variant.
Coding change: c.2439+13G>A on transcript NM_000702.4 (MANE Select); 13 bases into the intron after coding-DNA position 2439, G replaced by A.
Molecular consequence: intron variant.
Genome position (GRCh38, 1-based): chr1:160,136,006, G>A. VCF-style: chr1-160136006-G-A. GRCh37 (hg19) VCF-style: chr1-160105796-G-A.
Identifiers: ClinVar variation 517880 (VCV000517880.3), dbSNP rs1038003940, ClinGen allele CA31501488.